The following is an entry in ClinVar:

ClinVar aggregate classification (germline): Uncertain significance. Review status: criteria provided, multiple submitters, no conflicts (2 of 4 stars). 2 submissions from 2 submitters: Uncertain significance (2). Last evaluated 2026-09-18.

Conditions:
RP1L1-related disorder. Also called: RP1L1-related condition.

gnomAD v4.1: 10 of 1,613,526 alleles (0.00062%); highest among the groups gnomAD compares: East Asian, 0.022%; no homozygotes.

Submissions (2):

PreventionGenetics, part of Exact Sciences
Classification: Uncertain significance for RP1L1-related condition. Last evaluated: 2026-09-18. Review status: criteria provided, single submitter. Criteria: ACMG Guidelines, 2015. Collection method: clinical testing. Allele origin: germline.
Comment: The RP1L1 c.4349C>T variant is predicted to result in the amino acid substitution p.Pro1450Leu. To our knowledge, this variant has not been reported in the literature. This variant is reported in 0.011% of alleles in individuals of East Asian descent in gnomAD. At this time, the clinical significance of this variant is uncertain due to the absence of conclusive functional and genetic evidence.

Blueprint Genetics
Classification: Uncertain significance. Last evaluated: 2022-05-23. Review status: criteria provided, single submitter. Criteria: ACMG Guidelines, 2015. Collection method: clinical testing. Allele origin: germline.

NM_178857.6(RP1L1):c.4349C>T (p.Pro1450Leu)

Gene: RP1L1 (RP1 like 1). Cytogenetic location: 8p23.1.
Variant type: single nucleotide variant.
Coding change: c.4349C>T on transcript NM_178857.6 (MANE Select); coding-DNA position 4349, C replaced by T.
Protein change: p.Pro1450Leu; replaces proline 1450 with leucine.
Molecular consequence: missense variant.
Genome position (GRCh38, 1-based): chr8:10,609,749, G>A on the plus strand (C>T on the coding strand, the complement: RP1L1 is on the minus strand). VCF-style: chr8-10609749-G-A. GRCh37 (hg19) VCF-style: chr8-10467259-G-A.
Other names: c.4349C>T (NM_178857.5); short protein forms P1450L.
Identifiers: ClinVar variation 4899075 (VCV004899075.2).